The following is an entry in ClinVar:

ClinVar aggregate classification (germline): Likely pathogenic. Review status: criteria provided, multiple submitters, no conflicts (2 of 4 stars). 2 submissions from 2 submitters: Likely pathogenic (2). Last evaluated 2026-02-19.

Conditions:
Bardet-Biedl syndrome 1 (BBS1). Identifiers: MedGen C2936862, MONDO:0008854, OMIM 209900. Disease mechanism: loss of function.
BBS1-related disorder. Also called: BBS1-related condition.

gnomAD v4.1: 12 of 1,613,504 alleles (0.00074%); highest among the groups gnomAD compares: Non-Finnish European, 0.001%; no homozygotes.

Submissions (2):

Myriad Genetics, Inc.
Classification: Likely pathogenic for Bardet-Biedl syndrome 1. Last evaluated: 2026-02-19. Review status: criteria provided, single submitter. Criteria: Myriad Autosomal Dominant, Autosomal Recessive and X-Linked Classification Criteria (2023). Collection method: clinical testing. Allele origin: unknown.
Comment: NM_024649.4(BBS1):c.724-2A>G is a variant in a canonical splice site classified as likely pathogenic in the context of Bardet-Biedl syndrome, BBS1-related. c.724-2A>G has not been observed in cases with relevant disease. Relevant functional assessments of this variant are not available in the literature. c.724-2A>G has been observed in referenced population frequency databases. In summary, NM_024649.4(BBS1):c.724-2A>G is a variant in a canonical splice site in a gene where loss of function is a known mechanism of disease and is predicted to disrupt protein function. Please note: this variant was assessed in the context of healthy population screening.

PreventionGenetics, part of Exact Sciences
Classification: Likely pathogenic for BBS1-related condition. Last evaluated: 2024-10-23. Review status: criteria provided, single submitter. Criteria: ACMG Guidelines, 2015. Collection method: clinical testing. Allele origin: germline.
Comment: The BBS1 c.724-2A>G variant is predicted to disrupt the AG splice acceptor site and interfere with normal splicing. To our knowledge, this variant has not been reported in individuals with BBS1-related disease. This variant is reported in 0.0018% of alleles in individuals of European (Non-Finnish) descent in gnomAD. Variants that disrupt the consensus splice acceptor site in BBS1 are expected to be pathogenic. This variant is interpreted as likely pathogenic.

NM_024649.5(BBS1):c.724-2A>G

Genes: BBS1 (Bardet-Biedl syndrome 1; plus strand), ZDHHC24 (zDHHC palmitoyltransferase 24; minus strand). Cytogenetic location: 11q13.2.
Variant type: single nucleotide variant.
Coding change: c.724-2A>G on transcript NM_024649.5 (MANE Select); the canonical splice acceptor site of the intron before coding-DNA position 724, A replaced by G.
Molecular consequence: splice acceptor variant. On other transcripts: 3 prime UTR variant (1).
Genome position (GRCh38, 1-based): chr11:66,521,268, A>G. VCF-style: chr11-66521268-A-G. GRCh37 (hg19) VCF-style: chr11-66288739-A-G.
Other names: c.*220T>C (NM_001348571.2).
Identifiers: ClinVar variation 4997520 (VCV004997520.1).